The following is an entry in ClinVar:

NM_032816.5(CEP89):c.1965+5G>A

Gene: CEP89 (centrosomal protein 89; minus strand). Cytogenetic location: 19q13.11.
Variant type: single nucleotide variant.
Coding change: c.1965+5G>A on transcript NM_032816.5 (MANE Select); 5 bases into the intron after coding-DNA position 1965, G replaced by A.
Molecular consequence: intron variant.
Genome position (GRCh38, 1-based): chr19:32,887,747, C>T on the plus strand (G>A on the coding strand, the complement: CEP89 is on the minus strand). VCF-style: chr19-32887747-C-T. GRCh37 (hg19) VCF-style: chr19-33378653-C-T.
Identifiers: ClinVar variation 1933687 (VCV001933687.5), dbSNP rs2513640254, ClinGen allele CA2545300823.

ClinVar aggregate classification (germline): Uncertain significance (1 of 4 stars; one submission).

Allele frequency attached by ClinVar (database versions not stated): gnomAD exomes below 0.00001.
gnomAD v4.1: 1 of 1,588,860 alleles (0.000063%); highest among the groups gnomAD compares: Non-Finnish European, 0.000086%; no homozygotes.

Submission:

Labcorp Genetics (formerly Invitae), Labcorp
Classification: Uncertain significance. Last evaluated: 2022-07-12. Review status: criteria provided, single submitter. Criteria: Invitae Variant Classification Sherloc (09022015). Collection method: clinical testing. Allele origin: germline.
Comment: In summary, the available evidence is currently insufficient to determine the role of this variant in disease. Therefore, it has been classified as a Variant of Uncertain Significance. Variants that disrupt the consensus splice site are a relatively common cause of aberrant splicing (PMID: 17576681, 9536098). Algorithms developed to predict the effect of sequence changes on RNA splicing suggest that this variant may disrupt the consensus splice site. This variant has not been reported in the literature in individuals affected with CEP89-related conditions. This variant is not present in population databases (gnomAD no frequency). This sequence change falls in intron 17 of the CEP89 gene. It does not directly change the encoded amino acid sequence of the CEP89 protein. It affects a nucleotide within the consensus splice site.

Literature cited by the submitters: PubMed 17576681; PubMed 9536098.